The following is an entry in ClinVar:

ClinVar aggregate classification (germline): Uncertain significance (1 of 4 stars; one submission).

Conditions:
Cardiovascular phenotype. Identifiers: MedGen CN230736.
Hereditary cancer-predisposing syndrome. Also called: Neoplastic Syndromes, Hereditary; Tumor predisposition; Hereditary Cancer Syndrome; Hereditary neoplastic syndrome. Identifiers: Orphanet 140162, MedGen C0027672, MeSH D009386, MONDO:0015356.

Submission:

Ambry Genetics
Classification: Uncertain significance for Cardiovascular phenotype; Hereditary cancer-predisposing syndrome. Last evaluated: 2025-12-03. Review status: criteria provided, single submitter. Criteria: Ambry Variant Classification Scheme 2023. Collection method: clinical testing. Allele origin: germline.
Comment: The c.651+5_651+6delGGinsA intronic variant, located in intron 7 of the LZTR1 gene, results from the deletion of two nucleotides and the insertion of one nucleotide at positions c.651+5 to c.651+6. This nucleotide position is well conserved in available vertebrate species. In silico splice site analysis predicts that this alteration will weaken the native splice donor site, and will result in the creation or strengthening of a novel splice donor site. Based on the available evidence, the clinical significance of this variant remains unclear.

NM_006767.4(LZTR1):c.651+5_651+6delinsA

Gene: LZTR1 (leucine zipper like post translational regulator 1; plus strand). Cytogenetic location: 22q11.21.
Variant type: Indel.
Coding change: c.651+5_651+6delinsA on transcript NM_006767.4 (MANE Select); bases 5 to 6 of the intron after coding-DNA position 651, GG replaced by A.
Molecular consequence: intron variant.
Genome position (GRCh38, 1-based): chr22:20,989,687-20,989,688, GG replaced by A. VCF-style: chr22-20989687-GG-A. GRCh37 (hg19) VCF-style: chr22-21343976-GG-A.
Identifiers: ClinVar variation 4615666 (VCV004615666.1).